The following is an entry in ClinVar:

NM_001904.4(CTNNB1):c.999C>A (p.Tyr333Ter)

Gene: CTNNB1 (catenin beta 1; plus strand). Cytogenetic location: 3p22.1.
Variant type: single nucleotide variant.
Coding change: c.999C>A on transcript NM_001904.4 (MANE Select); coding-DNA position 999, C replaced by A.
Protein change: p.Tyr333Ter; replaces tyrosine 333 with a stop codon.
Molecular consequence: nonsense.
Genome position (GRCh38, 1-based): chr3:41,227,270, C>A. VCF-style: chr3-41227270-C-A. GRCh37 (hg19) VCF-style: chr3-41268761-C-A.
Other names: c.999C>A, p.Tyr333Ter (NM_001098209.2, NM_001098210.2); c.978C>A, p.Tyr326Ter (NM_001330729.2); short protein forms Y333*, Y326*.
Identifiers: ClinVar variation 450550 (VCV000450550.13), dbSNP rs778624338, ClinGen allele CA352231537.
Genomic context (GRCh38, chr3:41,227,270, plus strand): 5'-CATCATACTGGCTAGTGGTGGACCCCAAGCTTTAGTAAATATAATGAGGACCTATACTTA[C>A]GAAAAACTACTGTGGACCACAAGCAGAGTGCTGAAGGTGCTATCTGTCTGCTCTAGTAAT-3'

ClinVar aggregate classification (germline): Pathogenic. Review status: criteria provided, multiple submitters, no conflicts (2 of 4 stars). 4 submissions from 4 submitters: Pathogenic (4). Last evaluated 2024-11-06.

Conditions:
Hepatocellular carcinoma (HCC). Also called: Primary carcinoma of liver; HEPATOMA; LIVER CELL CARCINOMA. Identifiers: Orphanet 88673, MedGen C2239176, MONDO:0007256, OMIM 114550, HP:0001402.
Inborn genetic diseases. Identifiers: MedGen C0950123, MeSH D030342.

Submissions (4):

GeneDx
Classification: Pathogenic. Last evaluated: 2024-11-06. Review status: criteria provided, single submitter. Criteria: GeneDx Variant Classification Process June 2021. Collection method: clinical testing. Allele origin: germline. Affected: yes.
Comment: Not observed at significant frequency in large population cohorts (gnomAD); Nonsense variant predicted to result in protein truncation or nonsense mediated decay in a gene for which loss of function is a known mechanism of disease; This variant is associated with the following publications: (PMID: 37455656, 31526516, 33057194, 35982159, 36153650)

Labcorp Genetics (formerly Invitae), Labcorp
Classification: Pathogenic. Last evaluated: 2022-05-15. Review status: criteria provided, single submitter. Criteria: Invitae Variant Classification Sherloc (09022015). Collection method: clinical testing. Allele origin: germline.
Comment: This variant is not present in population databases (gnomAD no frequency). This sequence change creates a premature translational stop signal (p.Tyr333*) in the CTNNB1 gene. It is expected to result in an absent or disrupted protein product. Loss-of-function variants in CTNNB1 are known to be pathogenic (PMID: 23033978, 24614104, 25326669, 26350204, 28575650). This premature translational stop signal has been observed in individual(s) with CTNNB1-related conditions (PMID: 30640974). ClinVar contains an entry for this variant (Variation ID: 450550). For these reasons, this variant has been classified as Pathogenic.

Mendelics
Classification: Pathogenic for Hepatocellular carcinoma. Last evaluated: 2019-05-28. Review status: criteria provided, single submitter. Criteria: Mendelics Assertion Criteria 2017. Collection method: clinical testing. Allele origin: unknown.

Ambry Genetics
Classification: Pathogenic for Inborn genetic diseases. Last evaluated: 2017-05-12. Review status: criteria provided, single submitter. Criteria: Ambry exome assertion method (8-5-2015). Collection method: clinical testing. Allele origin: germline. Affected: yes. Observed: 1 variant allele.

Literature cited by the submitters: PubMed 23033978 (cited by Labcorp Genetics (formerly Invitae), Labcorp); PubMed 24614104 (cited by Labcorp Genetics (formerly Invitae), Labcorp); PubMed 25326669 (cited by Labcorp Genetics (formerly Invitae), Labcorp); PubMed 26350204 (cited by Labcorp Genetics (formerly Invitae), Labcorp); PubMed 28575650 (cited by Labcorp Genetics (formerly Invitae), Labcorp); PubMed 30640974 (cited by Labcorp Genetics (formerly Invitae), Labcorp); PubMed 27915094 (cited by Ambry Genetics); PubMed 21903672 (cited by Ambry Genetics); PubMed 26502894 (cited by Ambry Genetics).